The following is an entry in ClinVar:

NM_001244710.2(GFPT1):c.845+6C>T

Gene: GFPT1 (glutamine--fructose-6-phosphate transaminase 1; minus strand). Cytogenetic location: 2p13.3.
Variant type: single nucleotide variant.
Coding change: c.845+6C>T on transcript NM_001244710.2 (MANE Select); 6 bases into the intron after coding-DNA position 845, C replaced by T.
Molecular consequence: intron variant.
Genome position (GRCh38, 1-based): chr2:69,350,072, G>A on the plus strand (C>T on the coding strand, the complement: GFPT1 is on the minus strand). VCF-style: chr2-69350072-G-A. GRCh37 (hg19) VCF-style: chr2-69577204-G-A.
Other names: c.791+6C>T (NM_002056.4).
Identifiers: ClinVar variation 473136 (VCV000473136.2), dbSNP rs767647134, ClinGen allele CA1693764.
Genomic context (GRCh38, chr2:69,350,072, plus strand): 5'-TCTTGGGTTTCCTGCAGAATGAGAAGTTTTACTAAAAATCTCTTTGAATCAACTAAGGAA[G>A]CTCACCTTGCATCAGAAGCAAAGTAATACTCCACTGCTTTTTCTTCCACCGGGAAAAGGC-3'

ClinVar aggregate classification (germline): Uncertain significance (1 of 4 stars; one submission).

Conditions:
Congenital myasthenic syndrome 12 (CMS12). Also called: MYASTHENIC SYNDROME, CONGENITAL, WITH TUBULAR AGGREGATES 1; Myasthenia, congenital, 12, with tubular aggregates. Identifiers: Orphanet 353327, Orphanet 590, MedGen C3552335, MONDO:0012518, OMIM 610542.

Allele frequency attached by ClinVar (database versions not stated): gnomAD below 0.00001 and 0.00001; gnomAD exomes below 0.00001; ExAC 0.00001.
gnomAD v4.1: 3 of 1,585,610 alleles (0.00019%); highest among the groups gnomAD compares: South Asian, 0.0022%; no homozygotes.

Submission:

Labcorp Genetics (formerly Invitae), Labcorp
Classification: Uncertain significance for Congenital myasthenic syndrome 12. Last evaluated: 2018-09-17. Review status: criteria provided, single submitter. Criteria: Invitae Variant Classification Sherloc (09022015). Collection method: clinical testing. Allele origin: germline.
Comment: This sequence change falls in intron 9 of the GFPT1 gene. It does not directly change the encoded amino acid sequence of the GFPT1 protein, but it affects a nucleotide within the consensus splice site of the intron. This variant is present in population databases (rs767647134, ExAC 0.007%). This variant has not been reported in the literature in individuals with GFPT1-related disease. ClinVar contains an entry for this variant (Variation ID: 473136). Nucleotide substitutions within the consensus splice site are a relatively common cause of aberrant splicing (PMID: 17576681, 9536098). Algorithms developed to predict the effect of sequence changes on RNA splicing suggest that this variant is not likely to affect RNA splicing, but this prediction has not been confirmed by published transcriptional studies. In summary, the available evidence is currently insufficient to determine the role of this variant in disease. Therefore, it has been classified as a Variant of Uncertain Significance.